The following is an entry in ClinVar:

ClinVar aggregate classification (germline): Likely pathogenic (1 of 4 stars; one submission).

Conditions:
Neurodevelopmental disorder with hypotonia, brain anomalies, distinctive facies, and absent language. Also called: RNU4-2-Related Neurodevelopmental Disorder; RNU4-2–Related Autosomal Dominant Neurodevelopmental Disorder; ReNU SYNDROME. Identifiers: Orphanet 686488, MedGen C5935628, MONDO:0971172, OMIM 620851.

Submission:

Institute for Human Genetics, University Hospital Essen
Classification: Likely pathogenic for Neurodevelopmental disorder with hypotonia, brain anomalies, distinctive facies, and absent language. Last evaluated: 2005-03-05. Review status: criteria provided, single submitter. Criteria: ACMG Guidelines, 2015. Collection method: clinical testing. Allele origin: de novo. Inheritance: Autosomal dominant inheritance. Affected: yes.
Comment: PM2_supp, PS2, PS3

NR_003137.3(RNU4-2):n.62T>C

Genes: RNU4-2 (RNA, U4 small nuclear 2; minus strand), SIRT4 (sirtuin 4; plus strand). Cytogenetic location: 12q24.23.
Variant type: single nucleotide variant.
Molecular consequence: non-coding transcript variant (on NR_003137.3).
Genome position: GRCh38 VCF-style: chr12-120291842-A-G. GRCh37 (hg19) VCF-style: chr12-120729645-A-G.
Identifiers: ClinVar variation 3766429 (VCV003766429.1).